The following is an entry in ClinVar:

ClinVar aggregate classification (germline): Likely benign. Review status: criteria provided, multiple submitters, no conflicts (2 of 4 stars). 3 submissions from 3 submitters: Likely benign (3). Last evaluated 2025-02-15.

Conditions:
IMPDH1-related disorder. Also called: IMPDH1-related disorders; IMPDH1-related condition.

Allele frequency attached by ClinVar (database versions not stated): gnomAD 0.00001; TOPMed 0.00001; ExAC 0.00002; gnomAD exomes 0.00002 and 0.00004.
gnomAD v4.1: 54 of 1,613,778 alleles (0.0033%); highest among the groups gnomAD compares: Non-Finnish European, 0.0043%; no homozygotes.

Submissions (3):

PreventionGenetics, part of Exact Sciences
Classification: Likely benign for IMPDH1-related condition. Last evaluated: 2025-02-15. Review status: criteria provided, single submitter. Criteria: ACMG Guidelines, 2015. Collection method: clinical testing. Allele origin: germline.
Comment: This variant is classified as likely benign based on ACMG/AMP sequence variant interpretation guidelines (Richards et al. 2015 PMID: 25741868, with internal and published modifications).

Labcorp Genetics (formerly Invitae), Labcorp
Classification: Likely benign. Last evaluated: 2024-11-18. Review status: criteria provided, single submitter. Criteria: Invitae Variant Classification Sherloc (09022015). Collection method: clinical testing. Allele origin: germline.

Blueprint Genetics
Classification: Likely benign. Last evaluated: 2024-03-19. Review status: criteria provided, single submitter. Criteria: ACMG Guidelines, 2015. Collection method: clinical testing. Allele origin: germline.

NM_000883.4(IMPDH1):c.1311G>A (p.Glu437=)

Gene: IMPDH1 (inosine monophosphate dehydrogenase 1; minus strand). Cytogenetic location: 7q32.1.
Variant type: single nucleotide variant.
Coding change: c.1311G>A on transcript NM_000883.4 (MANE Select); coding-DNA position 1311, G replaced by A.
Protein change: p.Glu437=; no amino-acid change (glutamic acid 437 retained).
Molecular consequence: synonymous variant.
Genome position (GRCh38, 1-based): chr7:128,395,225, C>T on the plus strand (G>A on the coding strand, the complement: IMPDH1 is on the minus strand). VCF-style: chr7-128395225-C-T. GRCh37 (hg19) VCF-style: chr7-128035279-C-T.
Other names: c.1311G>A (NM_000883.3); c.1281G>A, p.Glu427= (NM_001102605.2); c.1056G>A, p.Glu352= (NM_001142573.2); c.1041G>A, p.Glu347= (NM_001142574.2); c.981G>A, p.Glu327= (NM_001142575.2); c.1212G>A, p.Glu404= (NM_001142576.2); c.1104G>A, p.Glu368= (NM_001304521.2); c.1203G>A, p.Glu401= (NM_183243.3).
Identifiers: ClinVar variation 1136013 (VCV001136013.11), dbSNP rs769443239, ClinGen allele CA4470869.
Genomic context (GRCh38, chr7:128,395,225, plus strand): 5'-GTGTCCCACGGTCTGGATGCCGCCATCGGCTATGATGGGCACACCAAAGCGCCGGGCATA[C>T]TCAGCCACCTTGTACACAGCAGTGCCCTGGGGCCGACCACAGGCCATCACTGGGGGAGGG-3'
Protein context (NP_000874.2, residues 427-447): PQGTAVYKVA[Glu437=]YARRFGVPII